The following is an entry in ClinVar:

NM_024548.4(CEP97):c.59G>T (p.Trp20Leu)

Gene: CEP97 (centrosomal protein 97; plus strand). Cytogenetic location: 3q12.3.
Variant type: single nucleotide variant.
Coding change: c.59G>T on transcript NM_024548.4 (MANE Select); coding-DNA position 59, G replaced by T.
Protein change: p.Trp20Leu; replaces tryptophan 20 with leucine.
Molecular consequence: missense variant.
Genome position (GRCh38, 1-based): chr3:101,726,609, G>T. VCF-style: chr3-101726609-G-T. GRCh37 (hg19) VCF-style: chr3-101445453-G-T.
Other names: c.59G>T, p.Trp20Leu (NM_001303401.2, NM_001410784.1, NM_001410785.1); short protein forms W20L.
Identifiers: ClinVar variation 3676627 (VCV003676627.2).

ClinVar aggregate classification (germline): Uncertain significance (1 of 4 stars; one submission).

gnomAD v4.1: 2 of 1,594,188 alleles (0.00013%); highest among the groups gnomAD compares: Non-Finnish European, 0.00017%; no homozygotes.

Submission:

Labcorp Genetics (formerly Invitae), Labcorp
Classification: Uncertain significance. Last evaluated: 2024-09-21. Review status: criteria provided, single submitter. Criteria: Invitae Variant Classification Sherloc (09022015). Collection method: clinical testing. Allele origin: germline.
Comment: This sequence change replaces tryptophan, which is neutral and slightly polar, with leucine, which is neutral and non-polar, at codon 20 of the CEP97 protein (p.Trp20Leu). This variant is not present in population databases (gnomAD no frequency). This variant has not been reported in the literature in individuals affected with CEP97-related conditions. Invitae Evidence Modeling of protein sequence and biophysical properties (such as structural, functional, and spatial information, amino acid conservation, physicochemical variation, residue mobility, and thermodynamic stability) indicates that this missense variant is not expected to disrupt CEP97 protein function with a negative predictive value of 80%. In summary, the available evidence is currently insufficient to determine the role of this variant in disease. Therefore, it has been classified as a Variant of Uncertain Significance.